The following is an entry in ClinVar:

NM_001384140.1(PCDH15):c.809T>G (p.Leu270Arg)

Gene: PCDH15 (protocadherin related 15; minus strand). Cytogenetic location: 10q21.1.
Variant type: single nucleotide variant.
Coding change: c.809T>G on transcript NM_001384140.1 (MANE Select); coding-DNA position 809, T replaced by G.
Protein change: p.Leu270Arg; replaces leucine 270 with arginine.
Molecular consequence: missense variant.
Genome position (GRCh38, 1-based): chr10:54,317,338, A>C on the plus strand (T>G on the coding strand, the complement: PCDH15 is on the minus strand). VCF-style: chr10-54317338-A-C. GRCh37 (hg19) VCF-style: chr10-56077098-A-C.
Other names: c.824T>G, p.Leu275Arg (NM_001142763.2, NM_001142769.4, NM_001142771.2); c.809T>G, p.Leu270Arg (NM_001142764.2, NM_001142765.2, NM_001142766.2 and 7 more transcripts); c.698T>G, p.Leu233Arg (NM_001142767.2); c.743T>G, p.Leu248Arg (NM_001142768.2, NM_001142773.2, NM_001354404.2); short protein forms L270R, L275R, L233R, L248R.
Identifiers: ClinVar variation 164931 (VCV000164931.9), dbSNP rs727503367, ClinGen allele CA177609.
Genomic context (GRCh38, chr10:54,317,338, plus strand): 5'-CTCAACTCAGGTATGGCAGCTTGATAAGTGAGTGGACGGCAATCACGAGTGTTTGGCACA[A>C]GGACACAAGGAAGAAACATTGGACCCAAGTCATCTCCATCCAGAACATCCACTGTGAGAG-3'
Protein context (NP_001371069.1, residues 260-280): DLGPMFLPCV[Leu270Arg]VPNTRDCRPL

ClinVar aggregate classification (germline): Uncertain significance. Review status: criteria provided, multiple submitters, no conflicts (2 of 4 stars). 4 submissions from 4 submitters: Uncertain significance (3). 1 of the submissions does not count toward it. Last evaluated 2025-08-09.

Conditions:
Inborn genetic diseases. Identifiers: MedGen C0950123, MeSH D030342.
Usher syndrome type 1F (USH1F). Also called: USHER SYNDROME, TYPE IF. Identifiers: Orphanet 231169, Orphanet 886, MedGen C1865885, MONDO:0011186, OMIM 602083.

Allele frequency attached by ClinVar (database versions not stated): gnomAD 0.00002; TOPMed 0.00001; ExAC 0.00002.
gnomAD v4.1: 50 of 1,613,930 alleles (0.0031%); highest among the groups gnomAD compares: Non-Finnish European, 0.0042%; no homozygotes.

Submissions (4):

Ambry Genetics
Classification: Uncertain significance for Inborn genetic diseases. Last evaluated: 2025-08-09. Review status: criteria provided, single submitter. Criteria: Ambry Variant Classification Scheme 2023. Collection method: clinical testing. Allele origin: germline.

Labcorp Genetics (formerly Invitae), Labcorp
Classification: Uncertain significance. Last evaluated: 2022-08-05. Review status: criteria provided, single submitter. Criteria: Invitae Variant Classification Sherloc (09022015). Collection method: clinical testing. Allele origin: germline.
Comment: This sequence change replaces leucine, which is neutral and non-polar, with arginine, which is basic and polar, at codon 270 of the PCDH15 protein (p.Leu270Arg). This variant is present in population databases (rs727503367, gnomAD 0.01%). This variant has not been reported in the literature in individuals affected with PCDH15-related conditions. ClinVar contains an entry for this variant (Variation ID: 164931). Algorithms developed to predict the effect of missense changes on protein structure and function are either unavailable or do not agree on the potential impact of this missense change (SIFT: "Deleterious"; PolyPhen-2: "Probably Damaging"; Align-GVGD: "Class C0"). In summary, the available evidence is currently insufficient to determine the role of this variant in disease. Therefore, it has been classified as a Variant of Uncertain Significance.

Laboratory for Molecular Medicine, Mass General Brigham Personalized Medicine
Classification: Uncertain significance. Last evaluated: 2014-01-02. Review status: criteria provided, single submitter. Criteria: LMM Criteria. Collection method: clinical testing. Allele origin: germline. Observed: 1 variant allele.
Comment: The Leu270Arg variant in PCDH15 has not been previously reported in individuals with hearing loss or in large population studies. Computational analyses (bioc hemical amino acid properties, conservation, AlignGVGD, PolyPhen2, and SIFT) do not provide strong support for or against an impact to the protein. In summary, additional information is needed to determine the clinical significance of this variant.

Natera, Inc.
Classification: Uncertain significance for Usher syndrome type 1F. Last evaluated: 2019-11-11. Review status: no assertion criteria provided. Collection method: clinical testing. Allele origin: germline. Not counted in ClinVar's aggregate classification.